The following is an entry in ClinVar:

NM_000404.4(GLB1):c.845C>T (p.Ser282Phe)

Gene: GLB1 (galactosidase beta 1; minus strand). Cytogenetic location: 3p22.3.
Variant type: single nucleotide variant.
Coding change: c.845C>T on transcript NM_000404.4 (MANE Select); coding-DNA position 845, C replaced by T.
Protein change: p.Ser282Phe; replaces serine 282 with phenylalanine.
Molecular consequence: missense variant.
Genome position (GRCh38, 1-based): chr3:33,051,952, G>A on the plus strand (C>T on the coding strand, the complement: GLB1 is on the minus strand). VCF-style: chr3-33051952-G-A. GRCh37 (hg19) VCF-style: chr3-33093444-G-A.
Other names: c.755C>T, p.Ser252Phe (NM_001079811.3); c.452C>T, p.Ser151Phe (NM_001135602.3); c.989C>T, p.Ser330Phe (NM_001317040.2); short protein forms S151F, S252F, S282F, S330F.
Identifiers: ClinVar variation 1039218 (VCV001039218.2), dbSNP rs1261599031, ClinGen allele CA352001468.

ClinVar aggregate classification (germline): Uncertain significance (1 of 4 stars; one submission).

Conditions:
Mucopolysaccharidosis, MPS-IV-B (MPS4B). Also called: Mucopolysaccharidosis type IV B; Mucopolysaccharidosis Type IVB; Mucopolysaccharidosis type 4B; Mucopolysaccharidosis type IVB (Morquio); MPS IVB; MORQUIO SYNDROME B. Identifiers: Orphanet 309310, Orphanet 582, MedGen C0086652, MONDO:0009660, OMIM 253010.
GM1 gangliosidosis. Identifiers: Orphanet 354, MedGen C0085131, MONDO:0018149.

Allele frequency attached by ClinVar (database versions not stated): gnomAD exomes below 0.00001; gnomAD 0.00001; TOPMed 0.00001.
gnomAD v4.1: 7 of 1,614,096 alleles (0.00043%); highest among the groups gnomAD compares: Admixed American, 0.0083%; no homozygotes.

Submission:

Labcorp Genetics (formerly Invitae), Labcorp
Classification: Uncertain significance for Mucopolysaccharidosis, MPS-IV-B; GM1 gangliosidosis. Last evaluated: 2021-08-27. Review status: criteria provided, single submitter. Criteria: Invitae Variant Classification Sherloc (09022015). Collection method: clinical testing. Allele origin: germline.
Comment: This sequence change replaces serine with phenylalanine at codon 282 of the GLB1 protein (p.Ser282Phe). The serine residue is moderately conserved and there is a large physicochemical difference between serine and phenylalanine. This variant is not present in population databases (ExAC no frequency). This variant has not been reported in the literature in individuals affected with GLB1-related conditions. Algorithms developed to predict the effect of missense changes on protein structure and function are either unavailable or do not agree on the potential impact of this missense change (SIFT: "Deleterious"; PolyPhen-2: "Possibly Damaging"; Align-GVGD: "Class C0"). In summary, the available evidence is currently insufficient to determine the role of this variant in disease. Therefore, it has been classified as a Variant of Uncertain Significance.